The following is an entry in ClinVar:

ClinVar aggregate classification (germline): Uncertain significance (1 of 4 stars; one submission).

Conditions:
Cardiovascular phenotype. Identifiers: MedGen CN230736.

Submission:

Ambry Genetics
Classification: Uncertain significance for Cardiovascular phenotype. Last evaluated: 2020-10-13. Review status: criteria provided, single submitter. Criteria: Ambry Variant Classification Scheme 2023. Collection method: clinical testing. Allele origin: germline.
Comment: The p.A156G variant (also known as c.467C>G), located in coding exon 1 of the ALPK3 gene, results from a C to G substitution at nucleotide position 467. The alanine at codon 156 is replaced by glycine, an amino acid with similar properties. This amino acid position is conserved on limited sequence alignment. In addition, this alteration is predicted to be tolerated by in silico analysis. Since supporting evidence is limited at this time, the clinical significance of this alteration remains unclear.

NM_020778.4(ALPK3):c.467C>G (p.Ala156Gly)

Gene: ALPK3 (alpha kinase 3; plus strand). Cytogenetic location: 15q25.3.
Variant type: single nucleotide variant.
Coding change: c.467C>G on transcript NM_020778.4; coding-DNA position 467, C replaced by G.
Protein change: p.Ala156Gly; replaces alanine 156 with glycine.
Genome position (GRCh38, 1-based): chr15:84,817,313, C>G. VCF-style: chr15-84817313-C-G. GRCh37 (hg19) VCF-style: chr15-85360544-C-G.
Other names: short protein forms A156G.
Identifiers: ClinVar variation 1742380 (VCV001742380.2), dbSNP rs2505688807, ClinGen allele CA393368973.